The following is an entry in ClinVar:

ClinVar aggregate classification (germline): Benign. Review status: criteria provided, multiple submitters, no conflicts (2 of 4 stars). 2 submissions from 2 submitters: Benign (2). Last evaluated 2018-06-14.

Allele frequency attached by ClinVar (database versions not stated): TOPMed 0.79791; 1000 Genomes Project 30x 0.80075; gnomAD 0.80109 and 0.80218; 1000 Genomes Project 0.80292; gnomAD exomes 0.83094.

Submissions (2):

GeneDx
Classification: Benign. Last evaluated: 2018-06-14. Review status: criteria provided, single submitter. Criteria: GeneDx Variant Classification (06012015). Collection method: clinical testing. Allele origin: germline. Affected: yes.
Comment: This variant is considered likely benign or benign based on one or more of the following criteria: it is a conservative change, it occurs at a poorly conserved position in the protein, it is predicted to be benign by multiple in silico algorithms, and/or has population frequency not consistent with disease.

Breakthrough Genomics
Classification: Benign. Review status: criteria provided, single submitter. Criteria: ACMG Guidelines, 2015. Collection method: not provided. Allele origin: germline. Inheritance: Autosomal recessive inheritance. Affected: yes.

NM_000540.3(RYR1):c.2578-67A>G

Gene: RYR1 (ryanodine receptor 1; plus strand). Cytogenetic location: 19q13.2.
Variant type: single nucleotide variant.
Coding change: c.2578-67A>G on transcript NM_000540.3 (MANE Select); 67 bases into the intron before coding-DNA position 2578, A replaced by G.
Molecular consequence: intron variant.
Genome position (GRCh38, 1-based): chr19:38,463,356, A>G. VCF-style: chr19-38463356-A-G. GRCh37 (hg19) VCF-style: chr19-38953996-A-G.
Other names: c.2578-67A>G (NM_001042723.2).
Identifiers: ClinVar variation 669171 (VCV000669171.2), dbSNP rs2304148, ClinGen allele CA14688938.